The following is an entry in ClinVar:

NM_001278512.2(AP3B2):c.1950C>A (p.Asp650Glu)

Genes: AP3B2 (adaptor related protein complex 3 subunit beta 2; minus strand), CPEB1-AS1 (CPEB1 antisense RNA 1; plus strand). Cytogenetic location: 15q25.2.
Variant type: single nucleotide variant.
Coding change: c.1950C>A on transcript NM_001278512.2 (MANE Select); coding-DNA position 1950, C replaced by A.
Protein change: p.Asp650Glu; replaces aspartic acid 650 with glutamic acid.
Molecular consequence: missense variant.
Genome position (GRCh38, 1-based): chr15:82,665,478, G>T on the plus strand (C>A on the coding strand, the complement: AP3B2 is on the minus strand). VCF-style: chr15-82665478-G-T. GRCh37 (hg19) VCF-style: chr15-83334230-G-T.
Other names: c.1854C>A, p.Asp618Glu (NM_001278511.2); c.1950C>A, p.Asp650Glu (NM_004644.5); short protein forms D618E, D650E.
Identifiers: ClinVar variation 2055473 (VCV002055473.1), dbSNP rs1419854307, ClinGen allele CA393312838.
Genomic context (GRCh38, chr15:82,665,478, plus strand): 5'-CACACACACACACACACTTCAACCCTCCACCCCGCTGACCTCCACGTTGCGCACAGATGG[G>T]TCTGGGGCTTCCTCCGGCCAGTCTGGGAGCTCCTGGTAGCCTGTGGCCTTGGCATTAAGC-3'
Protein context (NP_001265441.1, residues 640-660): ELPDWPEEAP[Asp650Glu]PSVRNVEEED

ClinVar aggregate classification (germline): Uncertain significance (1 of 4 stars; one submission).

Allele frequency attached by ClinVar (database versions not stated): gnomAD exomes below 0.00001; TOPMed below 0.00001; gnomAD 0.00001.
gnomAD v4.1: 8 of 1,613,280 alleles (0.0005%); highest among the groups gnomAD compares: Admixed American, 0.0017%; no homozygotes.

Submission:

Labcorp Genetics (formerly Invitae), Labcorp
Classification: Uncertain significance. Last evaluated: 2022-05-17. Review status: criteria provided, single submitter. Criteria: Invitae Variant Classification Sherloc (09022015). Collection method: clinical testing. Allele origin: germline.
Comment: This sequence change replaces aspartic acid, which is acidic and polar, with glutamic acid, which is acidic and polar, at codon 650 of the AP3B2 protein (p.Asp650Glu). This variant is not present in population databases (gnomAD no frequency). This variant has not been reported in the literature in individuals affected with AP3B2-related conditions. Algorithms developed to predict the effect of missense changes on protein structure and function are either unavailable or do not agree on the potential impact of this missense change (SIFT: "Tolerated"; PolyPhen-2: "Possibly Damaging"; Align-GVGD: "Class C0"). In summary, the available evidence is currently insufficient to determine the role of this variant in disease. Therefore, it has been classified as a Variant of Uncertain Significance.